The following is an entry in ClinVar:

ClinVar aggregate classification (germline): Uncertain significance (1 of 4 stars; one submission).

Conditions:
Brody myopathy. Also called: BRODY DISEASE. Identifiers: Orphanet 53347, MedGen C1832918, MONDO:0010977, OMIM 601003.

gnomAD v4.1: 6 of 1,614,012 alleles (0.00037%); highest among the groups gnomAD compares: Admixed American, 0.0083%; no homozygotes.

Submission:

Labcorp Genetics (formerly Invitae), Labcorp
Classification: Uncertain significance for Brody myopathy. Last evaluated: 2022-08-06. Review status: criteria provided, single submitter. Criteria: Invitae Variant Classification Sherloc (09022015). Collection method: clinical testing. Allele origin: germline.
Comment: This sequence change replaces leucine, which is neutral and non-polar, with proline, which is neutral and non-polar, at codon 379 of the ATP2A1 protein (p.Leu379Pro). This variant is not present in population databases (gnomAD no frequency). This variant has not been reported in the literature in individuals affected with ATP2A1-related conditions. ClinVar contains an entry for this variant (Variation ID: 654399). Algorithms developed to predict the effect of missense changes on protein structure and function are either unavailable or do not agree on the potential impact of this missense change (SIFT: "Deleterious"; PolyPhen-2: "Probably Damaging"; Align-GVGD: "Class C0"). In summary, the available evidence is currently insufficient to determine the role of this variant in disease. Therefore, it has been classified as a Variant of Uncertain Significance.

NM_004320.6(ATP2A1):c.1136T>C (p.Leu379Pro)

Gene: ATP2A1 (ATPase sarcoplasmic/endoplasmic reticulum Ca2+ transporting 1; plus strand). Cytogenetic location: 16p11.2.
Variant type: single nucleotide variant.
Coding change: c.1136T>C on transcript NM_004320.6 (MANE Select); coding-DNA position 1136, T replaced by C.
Protein change: p.Leu379Pro; replaces leucine 379 with proline.
Molecular consequence: missense variant.
Genome position (GRCh38, 1-based): chr16:28,894,195, T>C. VCF-style: chr16-28894195-T-C. GRCh37 (hg19) VCF-style: chr16-28905516-T-C.
Other names: c.761T>C, p.Leu254Pro (NM_001286075.2); c.1136T>C, p.Leu379Pro (NM_173201.5); short protein forms L254P, L379P.
Identifiers: ClinVar variation 654399 (VCV000654399.6), dbSNP rs1596677553, ClinGen allele CA395406781.